The following is an entry in ClinVar:

NM_001084.5(PLOD3):c.1492C>T (p.Arg498Ter)

Gene: PLOD3 (procollagen-lysine,2-oxoglutarate 5-dioxygenase 3; minus strand). Cytogenetic location: 7q22.1.
Variant type: single nucleotide variant.
Coding change: c.1492C>T on transcript NM_001084.5 (MANE Select); coding-DNA position 1492, C replaced by T.
Protein change: p.Arg498Ter; replaces arginine 498 with a stop codon.
Molecular consequence: nonsense.
Genome position (GRCh38, 1-based): chr7:101,210,540, G>A on the plus strand (C>T on the coding strand, the complement: PLOD3 is on the minus strand). VCF-style: chr7-101210540-G-A. GRCh37 (hg19) VCF-style: chr7-100853821-G-A.
Other names: short protein forms R498*.
Identifiers: ClinVar variation 4782269 (VCV004782269.1).

ClinVar aggregate classification (germline): Pathogenic (1 of 4 stars; one submission).

Submission:

Labcorp Genetics (formerly Invitae), Labcorp
Classification: Pathogenic. Last evaluated: 2025-12-03. Review status: criteria provided, single submitter. Criteria: Invitae Variant Classification Sherloc (09022015). Collection method: clinical testing. Allele origin: germline.
Comment: This sequence change creates a premature translational stop signal (p.Arg498*) in the PLOD3 gene. It is expected to result in an absent or disrupted protein product. Loss-of-function variants in PLOD3 are known to be pathogenic (PMID: 30237576). This variant is present in population databases (rs762008131, gnomAD 0.01%). This variant has not been reported in the literature in individuals affected with PLOD3-related conditions. For these reasons, this variant has been classified as Pathogenic.

Literature cited by the submitters: PubMed 30237576.